The following is an entry in ClinVar:

NM_001130965.3(SUN1):c.1024A>G (p.Thr342Ala)

Gene: SUN1 (Sad1 and UNC84 domain containing 1; plus strand). Cytogenetic location: 7p22.3.
Variant type: single nucleotide variant.
Coding change: c.1024A>G on transcript NM_001130965.3 (MANE Select); coding-DNA position 1024, A replaced by G.
Protein change: p.Thr342Ala; replaces threonine 342 with alanine.
Molecular consequence: missense variant. On other transcripts: non-coding transcript variant (3).
Genome position (GRCh38, 1-based): chr7:852,923, A>G. VCF-style: chr7-852923-A-G. GRCh37 (hg19) VCF-style: chr7-892560-A-G.
Other names: c.715A>G, p.Thr239Ala (NM_001171944.2); c.1024A>G, p.Thr342Ala (NM_001367633.1, NM_001367634.1, NM_001367653.1 and 1 more transcripts); c.673A>G, p.Thr225Ala (NM_001367635.1); c.1264A>G, p.Thr422Ala (NM_001367636.1, NM_001367691.1); c.1132A>G, p.Thr378Ala (NM_001367638.1); c.565A>G, p.Thr189Ala (NM_001367639.1); c.1204A>G, p.Thr402Ala (NM_001367640.1); c.1306A>G, p.Thr436Ala (NM_001367641.1, NM_001367682.1); and 38 more; short protein forms T104A, T286A, T316A, T320A, T342A, T346A, T356A, T379A.
Identifiers: ClinVar variation 645932 (VCV000645932.9), dbSNP rs1584895416, ClinGen allele CA366530727.

ClinVar aggregate classification (germline): Conflicting classifications of pathogenicity. Review status: criteria provided, conflicting classifications (1 of 4 stars). 2 submissions from 2 submitters: Uncertain significance (1); Likely benign (1). Last evaluated 2025-06-02.

Conditions:
Emery-Dreifuss muscular dystrophy (EDMD). Also called: Scapuloperoneal syndrome, X-linked (formerly); Humeroperoneal neuromuscular disease, (formerly). Identifiers: Orphanet 261, MedGen C0410189, MONDO:0016830.

Allele frequency attached by ClinVar (database versions not stated): gnomAD exomes 0.00003.
gnomAD v4.1: 46 of 1,613,776 alleles (0.0029%); highest among the groups gnomAD compares: Non-Finnish European, 0.0039%; no homozygotes.

Submissions (2):

Labcorp Genetics (formerly Invitae), Labcorp
Classification: Uncertain significance for Emery-Dreifuss muscular dystrophy. Last evaluated: 2025-06-02. Review status: criteria provided, single submitter. Criteria: Invitae Variant Classification Sherloc (09022015). Collection method: clinical testing. Allele origin: germline.
Comment: This sequence change replaces threonine, which is neutral and polar, with alanine, which is neutral and non-polar, at codon 342 of the SUN1 protein (p.Thr342Ala). This variant is not present in population databases (gnomAD no frequency). This variant has not been reported in the literature in individuals affected with SUN1-related conditions. ClinVar contains an entry for this variant (Variation ID: 645932). An algorithm developed to predict the effect of missense changes on protein structure and function outputs the following: PolyPhen-2: "Benign". The alanine amino acid residue is found in multiple mammalian species, which suggests that this missense change does not adversely affect protein function. In summary, the available evidence is currently insufficient to determine the role of this variant in disease. Therefore, it has been classified as a Variant of Uncertain Significance.

Ambry Genetics
Classification: Likely benign. Last evaluated: 2025-05-04. Review status: criteria provided, single submitter. Criteria: Ambry Variant Classification Scheme 2023. Collection method: clinical testing. Allele origin: germline.